The following is an entry in ClinVar:

NM_002299.4(LCT):c.27T>G (p.Phe9Leu)

Gene: LCT (lactase; minus strand). Cytogenetic location: 2q21.3.
Variant type: single nucleotide variant.
Coding change: c.27T>G on transcript NM_002299.4 (MANE Select); coding-DNA position 27, T replaced by G.
Protein change: p.Phe9Leu; replaces phenylalanine 9 with leucine.
Molecular consequence: missense variant.
Genome position (GRCh38, 1-based): chr2:135,837,143, A>C on the plus strand (T>G on the coding strand, the complement: LCT is on the minus strand). VCF-style: chr2-135837143-A-C. GRCh37 (hg19) VCF-style: chr2-136594713-A-C.
Other names: short protein forms F9L.
Identifiers: ClinVar variation 1952566 (VCV001952566.3), dbSNP rs2467261616, ClinGen allele CA348610222.

ClinVar aggregate classification (germline): Uncertain significance (1 of 4 stars; one submission).

Submission:

Labcorp Genetics (formerly Invitae), Labcorp
Classification: Uncertain significance. Last evaluated: 2024-02-24. Review status: criteria provided, single submitter. Criteria: Invitae Variant Classification Sherloc (09022015). Collection method: clinical testing. Allele origin: germline.
Comment: This sequence change replaces phenylalanine, which is neutral and non-polar, with leucine, which is neutral and non-polar, at codon 9 of the LCT protein (p.Phe9Leu). This variant is not present in population databases (gnomAD no frequency). This variant has not been reported in the literature in individuals affected with LCT-related conditions. ClinVar contains an entry for this variant (Variation ID: 1952566). Algorithms developed to predict the effect of missense changes on protein structure and function output the following: SIFT: "Not Available"; PolyPhen-2: "Benign"; Align-GVGD: "Not Available". The leucine amino acid residue is found in multiple mammalian species, which suggests that this missense change does not adversely affect protein function. In summary, the available evidence is currently insufficient to determine the role of this variant in disease. Therefore, it has been classified as a Variant of Uncertain Significance.